The following is an entry in ClinVar:

NM_001354604.2(MITF):c.817C>T (p.Pro273Ser)

Gene: MITF (melanocyte inducing transcription factor; plus strand). Cytogenetic location: 3p13.
Variant type: single nucleotide variant.
Coding change: c.817C>T on transcript NM_001354604.2 (MANE Select); coding-DNA position 817, C replaced by T.
Protein change: p.Pro273Ser; replaces proline 273 with serine.
Molecular consequence: missense variant.
Genome position (GRCh38, 1-based): chr3:69,949,105, C>T. VCF-style: chr3-69949105-C-T. GRCh37 (hg19) VCF-style: chr3-69998256-C-T.
Other names: c.496C>T, p.Pro166Ser (NM_000248.4, NM_198158.3); c.661C>T, p.Pro221Ser (NM_001184967.2, NM_001354608.2); c.814C>T, p.Pro272Ser (NM_001354605.2, NM_001354606.2, NM_006722.3); c.766C>T, p.Pro256Ser (NM_001354607.2); c.817C>T, p.Pro273Ser (NM_198159.3); c.769C>T, p.Pro257Ser (NM_198177.3); c.328C>T, p.Pro110Ser (NM_198178.3); short protein forms P110S, P166S, P257S, P256S, P273S, P221S, P272S.
Identifiers: ClinVar variation 4108290 (VCV004108290.1).

ClinVar aggregate classification (germline): Uncertain significance (1 of 4 stars; one submission).

Conditions:
Hereditary cancer-predisposing syndrome. Also called: Tumor predisposition; Neoplastic Syndromes, Hereditary; Hereditary neoplastic syndrome; Hereditary Cancer Syndrome. Identifiers: Orphanet 140162, MedGen C0027672, MeSH D009386, MONDO:0015356.

Submission:

Ambry Genetics
Classification: Uncertain significance for Hereditary cancer-predisposing syndrome. Last evaluated: 2025-07-17. Review status: criteria provided, single submitter. Criteria: Ambry Variant Classification Scheme 2023. Collection method: clinical testing. Allele origin: germline.
Comment: The p.P166S variant (also known as c.496C>T), located in coding exon 5 of the MITF gene, results from a C to T substitution at nucleotide position 496. The proline at codon 166 is replaced by serine, an amino acid with similar properties. This amino acid position is conserved. In addition, this alteration is predicted to be tolerated by in silico analysis. Based on the available evidence, the clinical significance of this variant remains unclear.